The following is an entry in ClinVar:

ClinVar aggregate classification (germline): Benign/Likely benign. Review status: criteria provided, multiple submitters, no conflicts (2 of 4 stars). 5 submissions from 5 submitters: Benign (1); Likely benign (3). 1 of the submissions does not count toward it. Last evaluated 2025-11-18.

Conditions:
RTTN-related disorder. Also called: RTTN-related condition.

Allele frequency attached by ClinVar (database versions not stated): ExAC 0.00018; gnomAD exomes 0.00018; 1000 Genomes Project 0.00040; 1000 Genomes Project 30x 0.00047; ESP Exome Variant Server 0.00060; TOPMed 0.00066; gnomAD 0.00115.
gnomAD v4.1: 144 of 1,228,796 alleles (0.012%); highest among the groups gnomAD compares: African/African-American, 0.36%; no homozygotes.

Submissions (5):

Labcorp Genetics (formerly Invitae), Labcorp
Classification: Benign. Last evaluated: 2025-11-18. Review status: criteria provided, single submitter. Criteria: Invitae Variant Classification Sherloc (09022015). Collection method: clinical testing. Allele origin: germline.

CeGaT Center for Human Genetics Tuebingen
Classification: Likely benign. Last evaluated: 2022-12-01. Review status: criteria provided, single submitter. Criteria: CeGaT Center For Human Genetics Tuebingen Variant Classification Criteria Version 2. Collection method: clinical testing. Allele origin: germline. Affected: yes. Observed: 1 variant allele.
Comment: RTTN: BP4, BP7

GeneDx
Classification: Likely benign. Last evaluated: 2020-09-02. Review status: criteria provided, single submitter. Criteria: GeneDx Variant Classification Process June 2021. Collection method: clinical testing. Allele origin: germline. Affected: yes.

Breakthrough Genomics
Classification: Likely benign. Review status: criteria provided, single submitter. Criteria: ACMG Guidelines, 2015. Collection method: not provided. Allele origin: germline. Inheritance: Autosomal recessive inheritance. Affected: yes.

PreventionGenetics, part of Exact Sciences
Classification: Likely benign for RTTN-related condition. Last evaluated: 2020-01-06. Review status: no assertion criteria provided. Collection method: clinical testing. Allele origin: germline. Not counted in ClinVar's aggregate classification.
Comment: This variant is classified as likely benign based on ACMG/AMP sequence variant interpretation guidelines (Richards et al. 2015 PMID: 25741868, with internal and published modifications).

NM_173630.4(RTTN):c.4308A>G (p.Ala1436=)

Gene: RTTN (rotatin; minus strand). Cytogenetic location: 18q22.2.
Variant type: single nucleotide variant.
Coding change: c.4308A>G on transcript NM_173630.4 (MANE Select); coding-DNA position 4308, A replaced by G.
Protein change: p.Ala1436=; no amino-acid change (alanine 1436 retained).
Molecular consequence: synonymous variant.
Genome position (GRCh38, 1-based): chr18:70,086,679, T>C on the plus strand (A>G on the coding strand, the complement: RTTN is on the minus strand). VCF-style: chr18-70086679-T-C. GRCh37 (hg19) VCF-style: chr18-67753915-T-C.
Other names: c.1572A>G, p.Ala524= (NM_001318520.2).
Identifiers: ClinVar variation 769939 (VCV000769939.37), dbSNP rs200315704, ClinGen allele CA8995294.